The following is an entry in ClinVar:

NM_020686.6(ABAT):c.643G>A (p.Gly215Ser)

Gene: ABAT (4-aminobutyrate aminotransferase; plus strand). Cytogenetic location: 16p13.2.
Variant type: single nucleotide variant.
Coding change: c.643G>A on transcript NM_020686.6 (MANE Select); coding-DNA position 643, G replaced by A.
Protein change: p.Gly215Ser; replaces glycine 215 with serine.
Molecular consequence: missense variant.
Genome position (GRCh38, 1-based): chr16:8,768,232, G>A. VCF-style: chr16-8768232-G-A. GRCh37 (hg19) VCF-style: chr16-8862089-G-A.
Other names: c.643G>A, p.Gly215Ser (NM_000663.5, NM_001127448.2, NM_001386600.1 and 7 more transcripts); c.580G>A, p.Gly194Ser (NM_001386606.1, NM_001386607.1); c.550G>A, p.Gly184Ser (NM_001386608.1); c.508G>A, p.Gly170Ser (NM_001386610.1, NM_001386611.1); c.445G>A, p.Gly149Ser (NM_001386612.1, NM_001386613.1); c.397G>A, p.Gly133Ser (NM_001386614.1); c.739G>A, p.Gly247Ser (NM_001386615.1); short protein forms G215S, G133S, G149S, G170S, G184S, G194S, G247S.
Identifiers: ClinVar variation 859932 (VCV000859932.9), dbSNP rs762050203, ClinGen allele CA7893236.

ClinVar aggregate classification (germline): Uncertain significance. Review status: criteria provided, multiple submitters, no conflicts (2 of 4 stars). 2 submissions from 2 submitters: Uncertain significance (2). Last evaluated 2023-01-26.

Conditions:
Inborn genetic diseases. Identifiers: MedGen C0950123, MeSH D030342.
Gamma-aminobutyric acid transaminase deficiency (GABATD). Also called: GABA transaminase deficiency; Gamma aminobutyrate transaminase deficiency; 4 alpha aminobutyrate transaminase deficiency; GABA aminotransaminase deficiency. Identifiers: Orphanet 2066, MedGen C0342708, MONDO:0013166, OMIM 613163.

Allele frequency attached by ClinVar (database versions not stated): TOPMed 0.00002; ExAC 0.00006.
gnomAD v4.1: 14 of 1,614,046 alleles (0.00087%); highest among the groups gnomAD compares: Admixed American, 0.023%; no homozygotes.

Submissions (2):

Ambry Genetics
Classification: Uncertain significance for Inborn genetic diseases. Last evaluated: 2023-01-26. Review status: criteria provided, single submitter. Criteria: Ambry Variant Classification Scheme 2023. Collection method: clinical testing. Allele origin: germline.

Labcorp Genetics (formerly Invitae), Labcorp
Classification: Uncertain significance for Gamma-aminobutyric acid transaminase deficiency. Last evaluated: 2022-07-22. Review status: criteria provided, single submitter. Criteria: Invitae Variant Classification Sherloc (09022015). Collection method: clinical testing. Allele origin: germline.
Comment: This sequence change replaces glycine, which is neutral and non-polar, with serine, which is neutral and polar, at codon 215 of the ABAT protein (p.Gly215Ser). This variant is present in population databases (rs762050203, gnomAD 0.02%). This variant has not been reported in the literature in individuals affected with ABAT-related conditions. ClinVar contains an entry for this variant (Variation ID: 859932). Algorithms developed to predict the effect of missense changes on protein structure and function (SIFT, PolyPhen-2, Align-GVGD) all suggest that this variant is likely to be tolerated. In summary, the available evidence is currently insufficient to determine the role of this variant in disease. Therefore, it has been classified as a Variant of Uncertain Significance.